The following is an entry in ClinVar:

ClinVar aggregate classification (germline): Uncertain significance (1 of 4 stars; one submission).

Conditions:
Autosomal dominant nocturnal frontal lobe epilepsy 5. Also called: Epilepsy, nocturnal frontal lobe, 5; CILIARY DYSKINESIA, PRIMARY, 28, WITHOUT SITUS INVERSUS; CILIARY DYSKINESIA, PRIMARY, 28, WITH SITUS INVERSUS; KCNT1-Related Epilepsy. Identifiers: Orphanet 98784, MedGen C3554306, MONDO:0014002, OMIM 615005.
Developmental and epileptic encephalopathy, 14 (DEE14). Also called: Early infantile epileptic encephalopathy 14. Identifiers: Orphanet 293181, MedGen C3554195, MONDO:0013989, OMIM 614959.

Submission:

Labcorp Genetics (formerly Invitae), Labcorp
Classification: Uncertain significance for Autosomal dominant nocturnal frontal lobe epilepsy 5; Developmental and epileptic encephalopathy, 14. Last evaluated: 2023-01-06. Review status: criteria provided, single submitter. Criteria: Invitae Variant Classification Sherloc (09022015). Collection method: clinical testing. Allele origin: germline.
Comment: In summary, the available evidence is currently insufficient to determine the role of this variant in disease. Therefore, it has been classified as a Variant of Uncertain Significance. Advanced modeling of protein sequence and biophysical properties (such as structural, functional, and spatial information, amino acid conservation, physicochemical variation, residue mobility, and thermodynamic stability) performed at Invitae indicates that this missense variant is not expected to disrupt KCNT1 protein function. This variant has not been reported in the literature in individuals affected with KCNT1-related conditions. This variant is not present in population databases (gnomAD no frequency). This sequence change replaces phenylalanine, which is neutral and non-polar, with leucine, which is neutral and non-polar, at codon 120 of the KCNT1 protein (p.Phe120Leu).

NM_020822.3(KCNT1):c.360C>G (p.Phe120Leu)

Gene: KCNT1 (potassium sodium-activated channel subfamily T member 1; plus strand). Cytogenetic location: 9q34.3.
Variant type: single nucleotide variant.
Coding change: c.360C>G on transcript NM_020822.3 (MANE Select); coding-DNA position 360, C replaced by G.
Protein change: p.Phe120Leu; replaces phenylalanine 120 with leucine.
Molecular consequence: missense variant.
Genome position (GRCh38, 1-based): chr9:135,750,967, C>G. VCF-style: chr9-135750967-C-G. GRCh37 (hg19) VCF-style: chr9-138642813-C-G.
Other names: c.216C>G, p.Phe72Leu (NM_001272003.2); short protein forms F72L, F120L.
Identifiers: ClinVar variation 2942972 (VCV002942972.3), dbSNP rs2490781973, ClinGen allele CA375494937.
Genomic context (GRCh38, chr9:135,750,967, plus strand): 5'-GGGTCAGAGCCCTGAGGCCGCTGCCCTCCCCGCAGGCCTGAGGATCCGGCTGTTCAACTT[C>G]TCCCTGAAGCTGCTCACCTGCCTGCTCTACATTGTGCGCGTCCTGCTCGATGACCCGGCC-3'
Protein context (NP_065873.2, residues 110-130): RSSLRIRLFN[Phe120Leu]SLKLLTCLLY